The following is an entry in ClinVar:

NM_014585.6(SLC40A1):c.484G>A (p.Val162Ile)

Gene: SLC40A1 (solute carrier family 40 member 1; minus strand). Cytogenetic location: 2q32.2.
Variant type: single nucleotide variant.
Coding change: c.484G>A on transcript NM_014585.6 (MANE Select); coding-DNA position 484, G replaced by A.
Protein change: p.Val162Ile; replaces valine 162 with isoleucine.
Molecular consequence: missense variant.
Genome position (GRCh38, 1-based): chr2:189,571,745, C>T on the plus strand (G>A on the coding strand, the complement: SLC40A1 is on the minus strand). VCF-style: chr2-189571745-C-T. GRCh37 (hg19) VCF-style: chr2-190436471-C-T.
Other names: short protein forms V162I.
Identifiers: ClinVar variation 2980593 (VCV002980593.3), dbSNP rs2468775907, ClinGen allele CA349989105.

ClinVar aggregate classification (germline): Uncertain significance (1 of 4 stars; one submission).

Conditions:
Hemochromatosis type 4 (HFE4). Also called: Ferroportin disease; HEMOCHROMATOSIS DUE TO DEFECT IN FERROPORTIN; HEMOCHROMATOSIS, AUTOSOMAL DOMINANT. Identifiers: Orphanet 139491, Orphanet 647834, Orphanet 648562, MedGen C1853733, MONDO:0011631, OMIM 606069.

Submission:

Labcorp Genetics (formerly Invitae), Labcorp
Classification: Uncertain significance for Hemochromatosis type 4. Last evaluated: 2023-07-06. Review status: criteria provided, single submitter. Criteria: Invitae Variant Classification Sherloc (09022015). Collection method: clinical testing. Allele origin: germline.
Comment: In summary, the available evidence is currently insufficient to determine the role of this variant in disease. Therefore, it has been classified as a Variant of Uncertain Significance. Advanced modeling of protein sequence and biophysical properties (such as structural, functional, and spatial information, amino acid conservation, physicochemical variation, residue mobility, and thermodynamic stability) performed at Invitae indicates that this missense variant is not expected to disrupt SLC40A1 protein function. This variant has not been reported in the literature in individuals affected with SLC40A1-related conditions. This variant is not present in population databases (gnomAD no frequency). This sequence change replaces valine, which is neutral and non-polar, with isoleucine, which is neutral and non-polar, at codon 162 of the SLC40A1 protein (p.Val162Ile).